The following is an entry in ClinVar:

ClinVar aggregate classification (germline): Uncertain significance (1 of 4 stars; one submission).

Submission:

Labcorp Genetics (formerly Invitae), Labcorp
Classification: Uncertain significance. Last evaluated: 2022-03-10. Review status: criteria provided, single submitter. Criteria: Invitae Variant Classification Sherloc (09022015). Collection method: clinical testing. Allele origin: germline.
Comment: In summary, the available evidence is currently insufficient to determine the role of this variant in disease. Therefore, it has been classified as a Variant of Uncertain Significance. Algorithms developed to predict the effect of missense changes on protein structure and function output the following: SIFT: "Tolerated"; PolyPhen-2: "Benign"; Align-GVGD: "Class C0". The asparagine amino acid residue is found in multiple mammalian species, which suggests that this missense change does not adversely affect protein function. This variant has not been reported in the literature in individuals affected with IMPG2-related conditions. This variant is not present in population databases (gnomAD no frequency). This sequence change replaces histidine, which is basic and polar, with asparagine, which is neutral and polar, at codon 675 of the IMPG2 protein (p.His675Asn).

NM_016247.4(IMPG2):c.2023C>A (p.His675Asn)

Gene: IMPG2 (interphotoreceptor matrix proteoglycan 2; minus strand). Cytogenetic location: 3q12.3.
Variant type: single nucleotide variant.
Coding change: c.2023C>A on transcript NM_016247.4 (MANE Select); coding-DNA position 2023, C replaced by A.
Protein change: p.His675Asn; replaces histidine 675 with asparagine.
Molecular consequence: missense variant.
Genome position (GRCh38, 1-based): chr3:101,244,308, G>T on the plus strand (C>A on the coding strand, the complement: IMPG2 is on the minus strand). VCF-style: chr3-101244308-G-T. GRCh37 (hg19) VCF-style: chr3-100963152-G-T.
Other names: short protein forms H675N.
Identifiers: ClinVar variation 1426289 (VCV001426289.4), dbSNP rs749137446, ClinGen allele CA353858991.
Genomic context (GRCh38, chr3:101,244,308, plus strand): 5'-CTGCAGTATCTGCGAAGATGGGCACAGCAGGCCCACTAAGAGGCTCTTCCTCTGGAAAGT[G>T]TGTGGATCTGTCATCATGTTCATATTTTGAGTGCTTACTAATTTGGTCTGTGGAATCCAT-3'
Protein context (NP_057331.2, residues 665-685): SKYEHDDRST[His675Asn]FPEEEPLSGP